The following is an entry in ClinVar:

NM_001018115.3(FANCD2):c.695+5A>G

Genes: FANCD2 (FA complementation group D2; plus strand), LOC107303338 (3p25 FANCD2 Alu-mediated recombination region; plus strand). Cytogenetic location: 3p25.3.
Variant type: single nucleotide variant.
Coding change: c.695+5A>G on transcript NM_001018115.3 (MANE Select); 5 bases into the intron after coding-DNA position 695, A replaced by G.
Molecular consequence: intron variant.
Genome position (GRCh38, 1-based): chr3:10,039,850, A>G. VCF-style: chr3-10039850-A-G. GRCh37 (hg19) VCF-style: chr3-10081534-A-G.
Other names: c.695+5A>G (NM_001319984.2, NM_001374253.1, NM_033084.6 and 2 more transcripts).
Identifiers: ClinVar variation 2163024 (VCV002163024.4), dbSNP rs2086820340, ClinGen allele CA351725407.

ClinVar aggregate classification (germline): Uncertain significance (1 of 4 stars; one submission).

Conditions:
Fanconi anemia (FA). Also called: Fanconi's anemia. Identifiers: Orphanet 84, MedGen C0015625, MeSH D005199, MONDO:0019391.

Allele frequency attached by ClinVar (database versions not stated): TOPMed below 0.00001; gnomAD exomes 0.00001.
gnomAD v4.1: 4 of 1,614,058 alleles (0.00025%); highest among the groups gnomAD compares: Non-Finnish European, 0.00034%; no homozygotes.

Submission:

Labcorp Genetics (formerly Invitae), Labcorp
Classification: Uncertain significance for Fanconi anemia. Last evaluated: 2022-03-28. Review status: criteria provided, single submitter. Criteria: Invitae Variant Classification Sherloc (09022015). Collection method: clinical testing. Allele origin: germline.
Comment: Variants that disrupt the consensus splice site are a relatively common cause of aberrant splicing (PMID: 17576681, 9536098). Algorithms developed to predict the effect of sequence changes on RNA splicing suggest that this variant may disrupt the consensus splice site. In summary, the available evidence is currently insufficient to determine the role of this variant in disease. Therefore, it has been classified as a Variant of Uncertain Significance. This variant has not been reported in the literature in individuals affected with FANCD2-related conditions. This variant is not present in population databases (gnomAD no frequency). This sequence change falls in intron 9 of the FANCD2 gene. It does not directly change the encoded amino acid sequence of the FANCD2 protein. It affects a nucleotide within the consensus splice site.

Literature cited by the submitters: PubMed 17576681; PubMed 9536098.